The following is an entry in ClinVar:

NM_000092.5(COL4A4):c.5038dup (p.Ile1680fs)

Gene: COL4A4 (collagen type IV alpha 4 chain; minus strand). Cytogenetic location: 2q36.3.
Variant type: Duplication.
Coding change: c.5038dup on transcript NM_000092.5 (MANE Select); coding-DNA position 5038, one base duplicated (A; older notation c.5038dupA).
Protein change: p.Ile1680fs; shifts the reading frame from isoleucine 1680.
Molecular consequence: frameshift variant.
Genome position (GRCh38, 1-based): chr2:227,007,360, T duplicated on the plus strand (A on the coding strand, the reverse complement: COL4A4 is on the minus strand); the first of 4 consecutive T bases (chr2:227,007,360-227,007,363); duplicating any one gives the same sequence. VCF-style (leftmost placement, unchanged base first): chr2-227007359-A-AT. GRCh37 (hg19) VCF-style: chr2-227872075-A-AT.
Other names: short protein forms I1680fs.
Identifiers: ClinVar variation 4081616 (VCV004081616.1).

ClinVar aggregate classification (germline): Pathogenic (1 of 4 stars; one submission).

Conditions:
Alport syndrome. Also called: Hemorrhagic familial nephritis; Hemorrhagic hereditary nephritis; Congenital hereditary hematuria. Identifiers: Orphanet 63, MedGen C1567741, MONDO:0018965.

Submission:

Myriad Genetics, Inc.
Classification: Pathogenic for Alport syndrome. Last evaluated: 2025-05-08. Review status: criteria provided, single submitter. Criteria: Myriad Autosomal Dominant, Autosomal Recessive and X-Linked Classification Criteria (2023). Collection method: clinical testing. Allele origin: unknown.
Comment: NM_000092.4(COL4A4):c.5038dupA(I1680Nfs*11) is a frameshift variant classified as pathogenic in the context of Alport syndrome, COL4A4-related. I1680Nfs*11 has not been observed in cases with relevant disease. Relevant functional assessments of this variant are not available in the literature. I1680Nfs*11 has not been observed in referenced population frequency databases. In summary, NM_000092.4(COL4A4):c.5038dupA(I1680Nfs*11) is a frameshift variant in a gene where loss of function is a known mechanism of disease and is predicted to disrupt protein function. Please note: this variant was assessed in the context of healthy population screening.